The following is an entry in ClinVar:

NM_000179.3(MSH6):c.419G>A (p.Arg140Lys)

Gene: MSH6 (mutS homolog 6; plus strand). Cytogenetic location: 2p16.3.
Variant type: single nucleotide variant.
Coding change: c.419G>A on transcript NM_000179.3 (MANE Select); coding-DNA position 419, G replaced by A.
Protein change: p.Arg140Lys; replaces arginine 140 with lysine.
Molecular consequence: missense variant. On other transcripts: 5 prime UTR variant (7), non-coding transcript variant (5), intron variant (6).
Genome position (GRCh38, 1-based): chr2:47,791,085, G>A. VCF-style: chr2-47791085-G-A. GRCh37 (hg19) VCF-style: chr2-48018224-G-A.
Other names: c.122G>A, p.Arg41Lys (NM_001406820.1, NM_001406821.1, NM_001406822.1 and 10 more transcripts); c.-318G>A (NM_001406823.1, NM_001406829.1, NM_001281493.2 and 1 more transcripts); c.251G>A, p.Arg84Lys (NM_001406826.1); c.-484G>A (NM_001281494.2); c.515G>A, p.Arg172Lys (NM_001406795.1, NM_001406802.1); c.419G>A, p.Arg140Lys (NM_001406796.1, NM_001406798.1, NM_001406800.1 and 6 more transcripts); c.341G>A, p.Arg114Lys (NM_001406804.1); c.-510G>A (NM_001406807.1); and 5 more; short protein forms R114K, R140K, R84K, R172K, R41K.
Identifiers: ClinVar variation 2749145 (VCV002749145.3), dbSNP rs876661293, ClinGen allele CA346737130.
Genomic context (GRCh38, chr2:47,791,085, plus strand): 5'-TCCGCGAGAAAGGGAAATCAGTCCGTGTTCATGTACAGTTTTTTGATGACAGCCCAACAA[G>A]GGGCTGGGTTAGCAAAAGGCTTTTAAAGCCATATACAGGTAAGAGTCACTACTGCCATGT-3'
Protein context (NP_000170.1, residues 130-150): HVQFFDDSPT[Arg140Lys]GWVSKRLLKP

ClinVar aggregate classification (germline): Uncertain significance (1 of 4 stars; one submission).

Conditions:
Hereditary nonpolyposis colorectal neoplasms. Identifiers: MedGen C0009405, MeSH D003123.

Submission:

Labcorp Genetics (formerly Invitae), Labcorp
Classification: Uncertain significance for Hereditary nonpolyposis colorectal neoplasms. Last evaluated: 2023-08-01. Review status: criteria provided, single submitter. Criteria: Invitae Variant Classification Sherloc (09022015). Collection method: clinical testing. Allele origin: germline.
Comment: Advanced modeling of protein sequence and biophysical properties (such as structural, functional, and spatial information, amino acid conservation, physicochemical variation, residue mobility, and thermodynamic stability) performed at Invitae indicates that this missense variant is not expected to disrupt MSH6 protein function. In summary, the available evidence is currently insufficient to determine the role of this variant in disease. Therefore, it has been classified as a Variant of Uncertain Significance. This variant is not present in population databases (gnomAD no frequency). This variant has not been reported in the literature in individuals affected with MSH6-related conditions. This sequence change replaces arginine, which is basic and polar, with lysine, which is basic and polar, at codon 140 of the MSH6 protein (p.Arg140Lys).